The following is an entry in ClinVar:

NM_001101.5(ACTB):c.364-17_364-16delinsTC

Gene: ACTB (actin beta; minus strand). Cytogenetic location: 7p22.1.
Variant type: Indel.
Coding change: c.364-17_364-16delinsTC on transcript NM_001101.5 (MANE Select); 17 bases into the intron before coding-DNA position 364 through 16 bases into the intron before coding-DNA position 364, GT replaced by TC.
Molecular consequence: intron variant.
Genome position (GRCh38, 1-based): chr7:5,528,735-5,528,736, AC replaced by GA on the plus strand (GT replaced by TC on the coding strand, the reverse complement: ACTB is on the minus strand). VCF-style: chr7-5528735-AC-GA. GRCh37 (hg19) VCF-style: chr7-5568366-AC-GA.
Identifiers: ClinVar variation 2056508 (VCV002056508.4), dbSNP rs2533848146, ClinGen allele CA2580076753.

ClinVar aggregate classification (germline): Uncertain significance (1 of 4 stars; one submission).

Conditions:
Baraitser-Winter syndrome 1 (BRWS1). Also called: PACHYGYRIA, MENTAL RETARDATION, EPILEPSY, AND CHARACTERISTIC FACIES; MENTAL RETARDATION WITH EPILEPSY AND CHARACTERISTIC FACIES; BARAITSER-WINTER SYNDROME 1, ATYPICAL; Cerebrofrontofacial syndrome. Identifiers: Orphanet 2649, Orphanet 2995, MedGen C1855722, MONDO:0009470, OMIM 243310.

Submission:

Labcorp Genetics (formerly Invitae), Labcorp
Classification: Uncertain significance for Baraitser-Winter syndrome 1. Last evaluated: 2025-06-09. Review status: criteria provided, single submitter. Criteria: Invitae Variant Classification Sherloc (09022015). Collection method: clinical testing. Allele origin: germline.
Comment: This sequence change falls in intron 3 of the ACTB gene. It does not directly change the encoded amino acid sequence of the ACTB protein. Information on the frequency of this variant in the gnomAD database is not available, as this variant may be reported differently in the database. This variant has not been reported in the literature in individuals affected with ACTB-related conditions. ClinVar contains an entry for this variant (Variation ID: 2056508). Experimental studies and prediction algorithms are not available or were not evaluated, and the effect of this variant on mRNA splicing is currently unknown. In summary, the available evidence is currently insufficient to determine the role of this variant in disease. Therefore, it has been classified as a Variant of Uncertain Significance.